The following is an entry in ClinVar:

NM_001171.6(ABCC6):c.3654G>T (p.Trp1218Cys)

Gene: ABCC6 (ATP binding cassette subfamily C member 6; minus strand). Cytogenetic location: 16p13.11.
Variant type: single nucleotide variant.
Coding change: c.3654G>T on transcript NM_001171.6 (MANE Select); coding-DNA position 3654, G replaced by T.
Protein change: p.Trp1218Cys; replaces tryptophan 1218 with cysteine.
Molecular consequence: missense variant. On other transcripts: non-coding transcript variant (1).
Genome position (GRCh38, 1-based): chr16:16,159,563, C>A on the plus strand (G>T on the coding strand, the complement: ABCC6 is on the minus strand). VCF-style: chr16-16159563-C-A. GRCh37 (hg19) VCF-style: chr16-16253420-C-A.
Other names: c.3312G>T, p.Trp1104Cys (NM_001351800.1); short protein forms W1104C, W1218C.
Identifiers: ClinVar variation 1934505 (VCV001934505.2), dbSNP rs775947674, ClinGen allele CA7925490.

ClinVar aggregate classification (germline): Uncertain significance (1 of 4 stars; one submission).

Allele frequency attached by ClinVar (database versions not stated): gnomAD exomes 0.00001; ExAC 0.00002.
gnomAD v4.1: 11 of 1,614,146 alleles (0.00068%); highest among the groups gnomAD compares: South Asian, 0.0099%; no homozygotes.

Submission:

Labcorp Genetics (formerly Invitae), Labcorp
Classification: Uncertain significance. Last evaluated: 2022-08-03. Review status: criteria provided, single submitter. Criteria: Invitae Variant Classification Sherloc (09022015). Collection method: clinical testing. Allele origin: germline.
Comment: This sequence change replaces tryptophan, which is neutral and slightly polar, with cysteine, which is neutral and slightly polar, at codon 1218 of the ABCC6 protein (p.Trp1218Cys). This variant is present in population databases (rs775947674, gnomAD 0.02%). This variant has not been reported in the literature in individuals affected with ABCC6-related conditions. Advanced modeling of protein sequence and biophysical properties (such as structural, functional, and spatial information, amino acid conservation, physicochemical variation, residue mobility, and thermodynamic stability) performed at Invitae indicates that this missense variant is expected to disrupt ABCC6 protein function. In summary, the available evidence is currently insufficient to determine the role of this variant in disease. Therefore, it has been classified as a Variant of Uncertain Significance.